The following is an entry in ClinVar:

NM_032578.4(MYPN):c.2925+20A>C

Gene: MYPN (myopalladin; plus strand). Cytogenetic location: 10q21.3.
Variant type: single nucleotide variant.
Coding change: c.2925+20A>C on transcript NM_032578.4 (MANE Select); 20 bases into the intron after coding-DNA position 2925, A replaced by C.
Molecular consequence: intron variant.
Genome position (GRCh38, 1-based): chr10:68,189,146, A>C. VCF-style: chr10-68189146-A-C. GRCh37 (hg19) VCF-style: chr10-69948903-A-C.
Other names: c.2925+20A>C (NM_001256267.2); c.2043+20A>C (NM_001256268.2).
Identifiers: ClinVar variation 379323 (VCV000379323.19), dbSNP rs200111945, ClinGen allele CA5522898.

ClinVar aggregate classification (germline): Benign/Likely benign. Review status: criteria provided, multiple submitters, no conflicts (2 of 4 stars). 5 submissions from 5 submitters: Benign (1); Likely benign (4). Last evaluated 2025-12-24.

Conditions:
Dilated cardiomyopathy 1KK (CMD1KK). Identifiers: Orphanet 154, Orphanet 75249, MedGen C3714995, MONDO:0014100, OMIM 615248.
MYPN-related myopathy (CMYO24). Also called: Nemaline myopathy 11, autosomal recessive. Identifiers: MedGen C4479186, MONDO:0015023, OMIM 617336.

Allele frequency attached by ClinVar (database versions not stated): ExAC 0.00004; gnomAD 0.00005; gnomAD exomes 0.00006 and 0.00029; TOPMed 0.00006; 1000 Genomes Project 30x 0.00016; 1000 Genomes Project 0.00020.
gnomAD v4.1: 408 of 1,580,470 alleles (0.026%); highest among the groups gnomAD compares: Non-Finnish European, 0.035%; no homozygotes.

Submissions (5):

Labcorp Genetics (formerly Invitae), Labcorp
Classification: Likely benign for Dilated cardiomyopathy 1KK. Last evaluated: 2025-12-24. Review status: criteria provided, single submitter. Criteria: Invitae Variant Classification Sherloc (09022015). Collection method: clinical testing. Allele origin: germline.

Blueprint Genetics
Classification: Likely benign. Last evaluated: 2024-10-07. Review status: criteria provided, single submitter. Criteria: ACMG Guidelines, 2015. Collection method: clinical testing. Allele origin: germline.

Fulgent Genetics
Classification: Likely benign for Dilated cardiomyopathy 1KK; MYPN-related myopathy. Last evaluated: 2021-08-05. Review status: criteria provided, single submitter. Criteria: ACMG Guidelines, 2015. Collection method: clinical testing. Allele origin: unknown.

ARUP Laboratories, Molecular Genetics and Genomics, ARUP Laboratories
Classification: Likely benign. Last evaluated: 2020-05-29. Review status: criteria provided, single submitter. Criteria: ARUP Molecular Germline Variant Investigation Process. Collection method: clinical testing. Allele origin: germline.

GeneDx
Classification: Benign. Last evaluated: 2015-11-20. Review status: criteria provided, single submitter. Criteria: GeneDx Variant Classification (06012015). Collection method: clinical testing. Allele origin: germline. Affected: yes.
Comment: This variant is considered likely benign or benign based on one or more of the following criteria: it is a conservative change, it occurs at a poorly conserved position in the protein, it is predicted to be benign by multiple in silico algorithms, and/or has population frequency not consistent with disease.